The following is an entry in ClinVar:

NM_001242896.3(DEPDC5):c.3380G>T (p.Gly1127Val)

Gene: DEPDC5 (DEP domain containing 5, GATOR1 subcomplex subunit; plus strand). Cytogenetic location: 22q12.3.
Variant type: single nucleotide variant.
Coding change: c.3380G>T on transcript NM_001242896.3 (MANE Select); coding-DNA position 3380, G replaced by T.
Protein change: p.Gly1127Val; replaces glycine 1127 with valine.
Molecular consequence: missense variant. On other transcripts: non-coding transcript variant (5).
Genome position (GRCh38, 1-based): chr22:31,870,639, G>T. VCF-style: chr22-31870639-G-T. GRCh37 (hg19) VCF-style: chr22-32266625-G-T.
Other names: c.3353G>T, p.Gly1118Val (NM_001136029.4); c.3080G>T, p.Gly1027Val (NM_001242897.2); c.3314G>T, p.Gly1105Val (NM_001363852.2, NM_001364320.2); c.3146G>T, p.Gly1049Val (NM_001363854.2, NM_001364319.2); c.3380G>T, p.Gly1127Val (NM_001364318.2); c.3296G>T, p.Gly1099Val (NM_001369901.1, NM_001369902.1); c.3287G>T, p.Gly1096Val (NM_001369903.1, NM_014662.6); short protein forms G1118V, G1096V, G1127V, G1027V, G1049V, G1099V, G1105V.
Identifiers: ClinVar variation 850848 (VCV000850848.9), dbSNP rs941078167, ClinGen allele CA411296546.
Genomic context (GRCh38, chr22:31,870,639, plus strand): 5'-ATCTCCTGCAGGTATCTGTGGACCAAACAGCCACTCCTATGTTGGACGGCACCAGTTTGG[G>T]CATATGCACAGGCCAATCCATGGACAGAGGCAACAGCCAGACCTTTGGGAACTCCCAGAA-3'
Protein context (NP_001229825.1, residues 1117-1137): ATPMLDGTSL[Gly1127Val]ICTGQSMDRG

ClinVar aggregate classification (germline): Uncertain significance (1 of 4 stars; one submission).

Conditions:
Familial focal epilepsy with variable foci (FPEVF). Identifiers: Orphanet 98820, MedGen C1858477, MONDO:0020310.

Allele frequency attached by ClinVar (database versions not stated): gnomAD exomes 0.00001.
gnomAD v4.1: 13 of 1,599,236 alleles (0.00081%); highest among the groups gnomAD compares: Non-Finnish European, 0.0011%; no homozygotes.

Submission:

Labcorp Genetics (formerly Invitae), Labcorp
Classification: Uncertain significance for Familial focal epilepsy with variable foci. Last evaluated: 2024-04-08. Review status: criteria provided, single submitter. Criteria: Invitae Variant Classification Sherloc (09022015). Collection method: clinical testing. Allele origin: germline.
Comment: This sequence change replaces glycine, which is neutral and non-polar, with valine, which is neutral and non-polar, at codon 1127 of the DEPDC5 protein (p.Gly1127Val). This variant is not present in population databases (gnomAD no frequency). This variant has not been reported in the literature in individuals affected with DEPDC5-related conditions. ClinVar contains an entry for this variant (Variation ID: 850848). Experimental studies and prediction algorithms are not available or were not evaluated, and the functional significance of this variant is currently unknown. In summary, the available evidence is currently insufficient to determine the role of this variant in disease. Therefore, it has been classified as a Variant of Uncertain Significance.